The following is an entry in ClinVar:

NM_000136.3(FANCC):c.691A>C (p.Lys231Gln)

Genes: AOPEP (aminopeptidase O (putative); plus strand), FANCC (FA complementation group C; minus strand). Cytogenetic location: 9q22.32.
Variant type: single nucleotide variant.
Coding change: c.691A>C on transcript NM_000136.3 (MANE Select); coding-DNA position 691, A replaced by C.
Protein change: p.Lys231Gln; replaces lysine 231 with glutamine.
Molecular consequence: missense variant.
Genome position (GRCh38, 1-based): chr9:95,135,498, T>G on the plus strand (A>C on the coding strand, the complement: FANCC is on the minus strand). VCF-style: chr9-95135498-T-G. GRCh37 (hg19) VCF-style: chr9-97897780-T-G.
Other names: c.691A>C, p.Lys231Gln (NM_001243743.2, NM_001243744.2); short protein forms K231Q.
Identifiers: ClinVar variation 3848343 (VCV003848343.1).

ClinVar aggregate classification (germline): Uncertain significance (1 of 4 stars; one submission).

Conditions:
Hereditary cancer-predisposing syndrome. Also called: Hereditary neoplastic syndrome; Neoplastic Syndromes, Hereditary; Tumor predisposition; Hereditary Cancer Syndrome. Identifiers: Orphanet 140162, MedGen C0027672, MeSH D009386, MONDO:0015356.

Submission:

Ambry Genetics
Classification: Uncertain significance for Hereditary cancer-predisposing syndrome. Last evaluated: 2025-02-27. Review status: criteria provided, single submitter. Criteria: Ambry Variant Classification Scheme 2023. Collection method: clinical testing. Allele origin: germline.
Comment: The p.K231Q variant (also known as c.691A>C), located in coding exon 7 of the FANCC gene, results from an A to C substitution at nucleotide position 691. The lysine at codon 231 is replaced by glutamine, an amino acid with similar properties. This amino acid position is conserved. In addition, this alteration is predicted to be tolerated by in silico analysis. Based on the available evidence, the clinical significance of this variant remains unclear.